The following is an entry in ClinVar:

NM_178857.6(RP1L1):c.2494C>T (p.Gln832Ter)

Gene: RP1L1 (RP1 like 1). Cytogenetic location: 8p23.1.
Variant type: single nucleotide variant.
Coding change: c.2494C>T on transcript NM_178857.6 (MANE Select); coding-DNA position 2494, C replaced by T.
Protein change: p.Gln832Ter; replaces glutamine 832 with a stop codon.
Molecular consequence: nonsense.
Genome position (GRCh38, 1-based): chr8:10,611,604, G>A on the plus strand (C>T on the coding strand, the complement: RP1L1 is on the minus strand). VCF-style: chr8-10611604-G-A. GRCh37 (hg19) VCF-style: chr8-10469114-G-A.
Other names: short protein forms Q832*.
Identifiers: ClinVar variation 4681834 (VCV004681834.6).

ClinVar aggregate classification (germline): Likely pathogenic. Review status: criteria provided, multiple submitters, no conflicts (2 of 4 stars). 2 submissions from 2 submitters: Likely pathogenic (2). Last evaluated 2025-12-01.

Conditions:
RP1L1-related disorder. Also called: RP1L1-related condition.

gnomAD v4.1: 4 of 1,612,398 alleles (0.00025%); highest among the groups gnomAD compares: African/African-American, 0.0027%; no homozygotes.

Submissions (2):

CeGaT Center for Human Genetics Tuebingen
Classification: Likely pathogenic. Last evaluated: 2025-12-01. Review status: criteria provided, single submitter. Criteria: CeGaT Center For Human Genetics Tuebingen Variant Classification Criteria Version 2. Collection method: clinical testing. Allele origin: germline. Affected: yes. Observed: 1 variant allele.
Comment: RP1L1: PVS1:Strong, PM2, PM3:Supporting

Blueprint Genetics
Classification: Likely pathogenic for RP1L1-related disorders. Last evaluated: 2024-04-10. Review status: criteria provided, single submitter. Criteria: ACMG Guidelines, 2015. Collection method: clinical testing. Allele origin: germline. Affected: yes. Observed: 1 variant allele.